The following is an entry in ClinVar:

ClinVar aggregate classification (germline): Pathogenic (1 of 4 stars; one submission).

Conditions:
Autosomal recessive nonsyndromic hearing loss 23. Identifiers: Orphanet 90636, MedGen C1836027, MONDO:0012293, OMIM 609533.

Submission:

Institute of Rare Diseases, West China Hospital, Sichuan University
Classification: Pathogenic for Autosomal recessive nonsyndromic hearing loss 23. Last evaluated: 2025-01-09. Review status: criteria provided, single submitter. Criteria: ClinGen HL ACMG Specifications v1. Collection method: research. Allele origin: germline. Affected: yes.
Comment: PVS1;PM3;PP1;PM2_Supporting

NM_001384140.1(PCDH15):c.4671+1307G>T

Gene: PCDH15 (protocadherin related 15; minus strand). Cytogenetic location: 10q21.1.
Variant type: single nucleotide variant.
Coding change: c.4671+1307G>T on transcript NM_001384140.1 (MANE Select); 1307 bases into the intron after coding-DNA position 4671, G replaced by T.
Molecular consequence: intron variant. On other transcripts: nonsense (2), 3 prime UTR variant (1).
Genome position (GRCh38, 1-based): chr10:53,809,249, C>A on the plus strand (G>T on the coding strand, the complement: PCDH15 is on the minus strand). VCF-style: chr10-53809249-C-A. GRCh37 (hg19) VCF-style: chr10-55569009-C-A.
Other names: c.4816G>T, p.Glu1606Ter (NM_001142769.4); c.*231G>T (NM_001142770.3); c.4795G>T, p.Glu1599Ter (NM_001354411.2); c.4476+1307G>T (NM_001354420.2); c.4605+1307G>T (NM_001354429.2); c.4482+1307G>T (NM_001142772.2); c.4497+1307G>T (NM_001142771.2); short protein forms E1599*, E1606*.
Identifiers: ClinVar variation 3601622 (VCV003601622.1).